The following is an entry in ClinVar:

NM_001943.5(DSG2):c.1811A>G (p.His604Arg)

Gene: DSG2 (desmoglein 2; plus strand). Cytogenetic location: 18q12.1.
Variant type: single nucleotide variant.
Coding change: c.1811A>G on transcript NM_001943.5 (MANE Select); coding-DNA position 1811, A replaced by G.
Protein change: p.His604Arg; replaces histidine 604 with arginine.
Molecular consequence: missense variant.
Genome position (GRCh38, 1-based): chr18:31,538,910, A>G. VCF-style: chr18-31538910-A-G. GRCh37 (hg19) VCF-style: chr18-29118873-A-G.
Other names: c.1811A>G (NM_001943.3); short protein forms H604R.
Identifiers: ClinVar variation 1057654 (VCV001057654.10), dbSNP rs1359949181, ClinGen allele CA402137902.
Genomic context (GRCh38, chr18:31,538,910, plus strand): 5'-AGGTCCTTACACTCACAGTTTGTGAGTGTCTGCATGGCAGCGGCTGCAGGGAAGCACAGC[A>G]TGACTCCTATGTGGGCCTGGGACCCGCAGCAATTGCGCTCATGATTTTGGCCTTTCTGCT-3'
Protein context (NP_001934.2, residues 594-614): LHGSGCREAQ[His604Arg]DSYVGLGPAA

ClinVar aggregate classification (germline): Conflicting classifications of pathogenicity. Review status: criteria provided, conflicting classifications (1 of 4 stars). 5 submissions from 5 submitters: Uncertain significance (4); Likely benign (1). Last evaluated 2026-03-09.

Conditions:
Arrhythmogenic right ventricular cardiomyopathy (ARVD). Also called: Cardiomyopathy, ARVC; Arrhythmogenic right ventricular dysplasia; Arrhythmogenic cardiomyopathy; Arrhythmogenic Right Ventricular Cardiomyopathy (ARVC). Identifiers: Orphanet 247, MedGen C0349788, MeSH D019571, MONDO:0016587. Disease mechanism: loss of function. Inheritance: Various modes of inheritance.
Cardiovascular phenotype. Identifiers: MedGen CN230736.
Arrhythmogenic right ventricular dysplasia 10. Also called: Arrhythmogenic Right Ventricular Dysplasia/Cardiomyopathy10; ARRHYTHMOGENIC RIGHT VENTRICULAR DYSPLASIA, FAMILIAL, 10; Arrhythmogenic right ventricular dysplasia/cardiomyopathy, type 10. Identifiers: MedGen C1857777, MONDO:0012434, OMIM 610193.
Dilated cardiomyopathy 1BB (CMD1BB). Also called: CARDIOMYOPATHY, DILATED, 1BB, SUSCEPTIBILITY TO. Identifiers: Orphanet 154, MedGen C2752072, MONDO:0013030, OMIM 612877.
Cardiomyopathy (CMYO). Also called: Cardiomyopathies. Identifiers: Orphanet 167848, MedGen C0878544, MONDO:0004994, HP:0001638. Inheritance: Various modes of inheritance.

Allele frequency attached by ClinVar (database versions not stated): gnomAD exomes below 0.00001; TOPMed below 0.00001.
gnomAD v4.1: 1 of 1,614,178 alleles (0.000062%); highest among the groups gnomAD compares: Non-Finnish European, 0.000085%; no homozygotes.

Submissions (5):

Ambry Genetics
Classification: Likely benign for Cardiovascular phenotype. Last evaluated: 2026-03-09. Review status: criteria provided, single submitter. Criteria: Ambry Variant Classification Scheme 2023. Collection method: clinical testing. Allele origin: germline.

All of Us Research Program, National Institutes of Health
Classification: Uncertain significance for Arrhythmogenic right ventricular cardiomyopathy. Last evaluated: 2023-12-13. Review status: criteria provided, single submitter. Criteria: ACMG Guidelines, 2015. Collection method: clinical testing. Allele origin: germline. Inheritance: Autosomal dominant inheritance. Observed: 1 variant allele, 1 heterozygote.
Comment: This missense variant replaces histidine with arginine at codon 604 of the DSG2 protein. Computational prediction suggests that this variant may not impact protein structure and function (internally defined REVEL score threshold <= 0.5, PMID: 27666373). To our knowledge, functional studies have not been reported for this variant. This variant has not been reported in individuals affected with DSG2-related disorders in the literature. This variant has not been identified in the general population by the Genome Aggregation Database (gnomAD). The available evidence is insufficient to determine the role of this variant in disease conclusively. Therefore, this variant is classified as a Variant of Uncertain Significance.

This study involves interpretation of variants in research participants for the purpose of population health screening. Participant phenotype was not available at the time of variant classification. Additional details can be found in publication PMID: 35346344, PMCID: PMC8962531

Color Diagnostics, LLC DBA Color Health
Classification: Uncertain significance for Cardiomyopathy. Last evaluated: 2023-11-08. Review status: criteria provided, single submitter. Criteria: ACMG Guidelines, 2015. Collection method: clinical testing. Allele origin: germline.
Comment: This missense variant replaces histidine with arginine at codon 604 of the DSG2 protein. Computational prediction suggests that this variant may not impact protein structure and function. To our knowledge, functional studies have not been reported for this variant. This variant has not been reported in individuals affected with DSG2-related disorders in the literature. This variant has not been identified in the general population by the Genome Aggregation Database (gnomAD). The available evidence is insufficient to determine the role of this variant in disease conclusively. Therefore, this variant is classified as a Variant of Uncertain Significance.

Labcorp Genetics (formerly Invitae), Labcorp
Classification: Uncertain significance for Arrhythmogenic right ventricular dysplasia 10. Last evaluated: 2022-10-19. Review status: criteria provided, single submitter. Criteria: Invitae Variant Classification Sherloc (09022015). Collection method: clinical testing. Allele origin: germline.
Comment: This sequence change replaces histidine, which is basic and polar, with arginine, which is basic and polar, at codon 604 of the DSG2 protein (p.His604Arg). This variant is present in population databases (no rsID available, gnomAD 0.0009%). This variant has not been reported in the literature in individuals affected with DSG2-related conditions. ClinVar contains an entry for this variant (Variation ID: 1057654). Advanced modeling of protein sequence and biophysical properties (such as structural, functional, and spatial information, amino acid conservation, physicochemical variation, residue mobility, and thermodynamic stability) performed at Invitae indicates that this missense variant is not expected to disrupt DSG2 protein function. In summary, the available evidence is currently insufficient to determine the role of this variant in disease. Therefore, it has been classified as a Variant of Uncertain Significance.

Fulgent Genetics
Classification: Uncertain significance for Arrhythmogenic right ventricular dysplasia 10; Dilated cardiomyopathy 1BB. Last evaluated: 2021-08-11. Review status: criteria provided, single submitter. Criteria: ACMG Guidelines, 2015. Collection method: clinical testing. Allele origin: unknown.